The following is an entry in ClinVar:

NM_003482.4(KMT2D):c.7743A>G (p.Thr2581=)

Gene: KMT2D (lysine methyltransferase 2D; minus strand). Cytogenetic location: 12q13.12.
Variant type: single nucleotide variant.
Coding change: c.7743A>G on transcript NM_003482.4 (MANE Select); coding-DNA position 7743, A replaced by G.
Protein change: p.Thr2581=; no amino-acid change (threonine 2581 retained).
Molecular consequence: synonymous variant.
Genome position (GRCh38, 1-based): chr12:49,040,027, T>C on the plus strand (A>G on the coding strand, the complement: KMT2D is on the minus strand). VCF-style: chr12-49040027-T-C. GRCh37 (hg19) VCF-style: chr12-49433810-T-C.
Identifiers: ClinVar variation 3032704 (VCV003032704.2), dbSNP rs1351104014, ClinGen allele CA479711424.

ClinVar aggregate classification (germline): Likely benign (0 of 4 stars; one submission).

Conditions:
KMT2D-related disorder. Also called: KMT2D-Related Disorders.

Allele frequency attached by ClinVar (database versions not stated): TOPMed below 0.00001.

Submission:

PreventionGenetics, part of Exact Sciences
Classification: Likely benign for KMT2D-related condition. Last evaluated: 2024-01-31. Review status: no assertion criteria provided. Collection method: clinical testing. Allele origin: germline.
Comment: This variant is classified as likely benign based on ACMG/AMP sequence variant interpretation guidelines (Richards et al. 2015 PMID: 25741868, with internal and published modifications).